The following is an entry in ClinVar:

ClinVar aggregate classification (germline): Uncertain significance (1 of 4 stars; one submission).

Allele frequency attached by ClinVar (database versions not stated): gnomAD exomes 0.00001; TOPMed 0.00002; gnomAD 0.00004; ExAC 0.00005.

Submission:

Labcorp Genetics (formerly Invitae), Labcorp
Classification: Uncertain significance. Last evaluated: 2022-06-19. Review status: criteria provided, single submitter. Criteria: Invitae Variant Classification Sherloc (09022015). Collection method: clinical testing. Allele origin: germline.
Comment: This variant has not been reported in the literature in individuals affected with FGFRL1-related conditions. Algorithms developed to predict the effect of missense changes on protein structure and function are either unavailable or do not agree on the potential impact of this missense change (SIFT: "Deleterious"; PolyPhen-2: "Possibly Damaging"; Align-GVGD: "Class C0"). In summary, the available evidence is currently insufficient to determine the role of this variant in disease. Therefore, it has been classified as a Variant of Uncertain Significance. This variant is present in population databases (rs750366202, gnomAD 0.01%). This sequence change replaces arginine, which is basic and polar, with cysteine, which is neutral and slightly polar, at codon 418 of the FGFRL1 protein (p.Arg418Cys).

NM_001004356.3(FGFRL1):c.1252C>T (p.Arg418Cys)

Gene: FGFRL1 (fibroblast growth factor receptor like 1; plus strand). Cytogenetic location: 4p16.3.
Variant type: single nucleotide variant.
Coding change: c.1252C>T on transcript NM_001004356.3 (MANE Select); coding-DNA position 1252, C replaced by T.
Protein change: p.Arg418Cys; replaces arginine 418 with cysteine.
Molecular consequence: missense variant.
Genome position (GRCh38, 1-based): chr4:1,025,084, C>T. VCF-style: chr4-1025084-C-T. GRCh37 (hg19) VCF-style: chr4-1018872-C-T.
Other names: c.1252C>T, p.Arg418Cys (NM_001004358.1, NM_001370296.1, NM_021923.3); short protein forms R418C.
Identifiers: ClinVar variation 2198103 (VCV002198103.4), dbSNP rs750366202, ClinGen allele CA2803042.